The following is an entry in ClinVar:

ClinVar aggregate classification (germline): Uncertain significance. Review status: criteria provided, multiple submitters, no conflicts (2 of 4 stars). 3 submissions from 3 submitters: Uncertain significance (3). Last evaluated 2025-09-10.

Conditions:
Inborn genetic diseases. Identifiers: MedGen C0950123, MeSH D030342.
Predisposition to invasive fungal disease due to CARD9 deficiency (IMD103). Also called: CARD9 IMMUNODEFICIENCY; Candidiasis, familial, 2, autosomal recessive; IMMUNODEFICIENCY 103, SUSCEPTIBILITY TO FUNGAL INFECTIONS. Identifiers: Orphanet 457088, MedGen C1859353, MONDO:0008905, OMIM 212050.

Submissions (3):

Genomic Medicine Center of Excellence, King Faisal Specialist Hospital and Research Centre
Classification: Uncertain significance for Predisposition to invasive fungal disease due to CARD9 deficiency. Last evaluated: 2025-09-10. Review status: criteria provided, single submitter. Criteria: ACMG Guidelines, 2015. Collection method: clinical testing. Allele origin: germline.

Labcorp Genetics (formerly Invitae), Labcorp
Classification: Uncertain significance for Predisposition to invasive fungal disease due to CARD9 deficiency. Last evaluated: 2022-07-25. Review status: criteria provided, single submitter. Criteria: Invitae Variant Classification Sherloc (09022015). Collection method: clinical testing. Allele origin: germline.
Comment: In summary, the available evidence is currently insufficient to determine the role of this variant in disease. Therefore, it has been classified as a Variant of Uncertain Significance. Algorithms developed to predict the effect of missense changes on protein structure and function are either unavailable or do not agree on the potential impact of this missense change (SIFT: "Deleterious"; PolyPhen-2: "Possibly Damaging"; Align-GVGD: "Class C0"). ClinVar contains an entry for this variant (Variation ID: 1051992). This variant has not been reported in the literature in individuals affected with CARD9-related conditions. The frequency data for this variant in the population databases is considered unreliable, as metrics indicate poor data quality at this position in the gnomAD database. This sequence change replaces arginine, which is basic and polar, with leucine, which is neutral and non-polar, at codon 315 of the CARD9 protein (p.Arg315Leu).

Ambry Genetics
Classification: Uncertain significance for Inborn genetic diseases. Last evaluated: 2022-06-22. Review status: criteria provided, single submitter. Criteria: Ambry Variant Classification Scheme 2023. Collection method: clinical testing. Allele origin: germline.

NM_052813.5(CARD9):c.944G>T (p.Arg315Leu)

Gene: CARD9 (caspase recruitment domain family member 9; minus strand). Cytogenetic location: 9q34.3.
Variant type: single nucleotide variant.
Coding change: c.944G>T on transcript NM_052813.5 (MANE Select); coding-DNA position 944, G replaced by T.
Protein change: p.Arg315Leu; replaces arginine 315 with leucine.
Molecular consequence: missense variant.
Genome position (GRCh38, 1-based): chr9:136,370,301, C>A on the plus strand (G>T on the coding strand, the complement: CARD9 is on the minus strand). VCF-style: chr9-136370301-C-A. GRCh37 (hg19) VCF-style: chr9-139264753-C-A.
Other names: c.944G>T, p.Arg315Leu (NM_052814.4); c.944G>T (NM_052813.4); short protein forms R315L.
Identifiers: ClinVar variation 1051992 (VCV001051992.10), dbSNP rs141105175, ClinGen allele CA5332927.